The following is an entry in ClinVar:

ClinVar aggregate classification (germline): Pathogenic/Likely pathogenic. Review status: criteria provided, multiple submitters, no conflicts (2 of 4 stars). 3 submissions from 3 submitters: Pathogenic (1); Likely pathogenic (1). 1 of the submissions does not count toward it. Last evaluated 2024-06-04.

Conditions:
Charcot-Marie-Tooth disease. Also called: Charcot-Marie-Tooth Neuropathy; Charcot-Marie-Tooth Hereditary Neuropathy. Identifiers: Orphanet 166, MedGen C0007959, MONDO:0015626.
Charcot-Marie-Tooth Neuropathy X. Identifiers: MedGen CN118851.

Submissions (3):

Labcorp Genetics (formerly Invitae), Labcorp
Classification: Pathogenic for Charcot-Marie-Tooth Neuropathy X. Last evaluated: 2024-06-04. Review status: criteria provided, single submitter. Criteria: Invitae Variant Classification Sherloc (09022015). Collection method: clinical testing. Allele origin: germline.
Comment: This sequence change replaces histidine, which is basic and polar, with glutamine, which is neutral and polar, at codon 94 of the GJB1 protein (p.His94Gln). This variant is not present in population databases (gnomAD no frequency). This missense change has been observed in individuals with GJB1-related conditions (PMID: 11325342, 11571214, 14680548, 18379723, 28286897). ClinVar contains an entry for this variant (Variation ID: 245724). Advanced modeling of protein sequence and biophysical properties (such as structural, functional, and spatial information, amino acid conservation, physicochemical variation, residue mobility, and thermodynamic stability) performed at Invitae indicates that this missense variant is expected to disrupt GJB1 protein function with a positive predictive value of 80%. Experimental studies have shown that this missense change affects GJB1 function (PMID: 11325342). This variant disrupts the p.His94 amino acid residue in GJB1. Other variant(s) that disrupt this residue have been determined to be pathogenic (PMID: 11325342, 28768847; Invitae). This suggests that this residue is clinically significant, and that variants that disrupt this residue are likely to be disease-causing. For these reasons, this variant has been classified as Pathogenic.

GeneDx
Classification: Likely pathogenic. Last evaluated: 2023-10-04. Review status: criteria provided, single submitter. Criteria: GeneDx Variant Classification Process June 2021. Collection method: clinical testing. Allele origin: germline. Affected: yes.
Comment: Not observed at significant frequency in large population cohorts (gnomAD); Missense variants in this gene are often considered pathogenic (HGMD); In silico analysis supports that this missense variant has a deleterious effect on protein structure/function; This variant is associated with the following publications: (PMID: 9361298, 11325342, 16311287, 21280457, 28286897, 18648547)

Inherited Neuropathy Consortium
Classification: Uncertain significance for Charcot-Marie-Tooth disease. Review status: no assertion criteria provided. Collection method: literature only. Allele origin: germline. Affected: yes. Not counted in ClinVar's aggregate classification.

Literature cited by the submitters: PubMed 11325342 (cited by Labcorp Genetics (formerly Invitae), Labcorp); PubMed 11571214 (cited by Labcorp Genetics (formerly Invitae), Labcorp); PubMed 14680548 (cited by Labcorp Genetics (formerly Invitae), Labcorp); PubMed 18379723 (cited by Labcorp Genetics (formerly Invitae), Labcorp); PubMed 28286897 (cited by Labcorp Genetics (formerly Invitae), Labcorp); PubMed 28768847 (cited by Labcorp Genetics (formerly Invitae), Labcorp); PubMed 9361298 (cited by Inherited Neuropathy Consortium).

NM_000166.6(GJB1):c.282C>A (p.His94Gln)

Gene: GJB1 (gap junction protein beta 1; plus strand). Cytogenetic location: Xq13.1.
Variant type: single nucleotide variant.
Coding change: c.282C>A on transcript NM_000166.6 (MANE Select); coding-DNA position 282, C replaced by A.
Protein change: p.His94Gln; replaces histidine 94 with glutamine.
Molecular consequence: missense variant.
Genome position (GRCh38, 1-based): chrX:71,223,989, C>A. VCF-style: chrX-71223989-C-A. GRCh37 (hg19) VCF-style: chrX-70443839-C-A.
Other names: c.282C>A, p.His94Gln (NM_001097642.3); short protein forms H94Q.
Identifiers: ClinVar variation 245724 (VCV000245724.9), dbSNP rs756000896, ClinGen allele CA10584638.
Genomic context (GRCh38, chrX:71,223,989, plus strand): 5'-GCGGCTGTGGTCCCTGCAGCTCATCCTAGTTTCCACCCCAGCTCTCCTCGTGGCCATGCA[C>A]GTGGCTCACCAGCAACACATAGAGAAGAAAATGCTACGGCTTGAGGGCCATGGGGACCCC-3'
Protein context (NP_000157.1, residues 84-104): VSTPALLVAM[His94Gln]VAHQQHIEKK